The following is an entry in ClinVar:

NM_001267550.2(TTN):c.97220T>C (p.Ile32407Thr)

Genes: TTN (titin; minus strand), TTN-AS1 (TTN antisense RNA 1; plus strand). Cytogenetic location: 2q31.2.
Variant type: single nucleotide variant.
Coding change: c.97220T>C on transcript NM_001267550.2 (MANE Select); coding-DNA position 97220, T replaced by C.
Protein change: p.Ile32407Thr; replaces isoleucine 32407 with threonine.
Molecular consequence: missense variant.
Genome position (GRCh38, 1-based): chr2:178,542,536, A>G on the plus strand (T>C on the coding strand, the complement: TTN is on the minus strand). VCF-style: chr2-178542536-A-G. GRCh37 (hg19) VCF-style: chr2-179407263-A-G.
Other names: p.Ile30766Thr; c.92297T>C, p.Ile30766Thr (NM_001256850.1); c.70025T>C, p.Ile23342Thr (NM_003319.4); c.89516T>C, p.Ile29839Thr (NM_133378.4); c.70400T>C, p.Ile23467Thr (NM_133432.3); c.70601T>C, p.Ile23534Thr (NM_133437.4); c.97220T>C (NM_001267550.1); short protein forms I23342T, I23467T, I23534T, I29839T, I30766T, I32407T.
Identifiers: ClinVar variation 1693831 (VCV001693831.6), dbSNP rs1695062428, ClinGen allele CA349441451.

ClinVar aggregate classification (germline): Uncertain significance. Review status: criteria provided, multiple submitters, no conflicts (2 of 4 stars). 2 submissions from 2 submitters: Uncertain significance (2). Last evaluated 2024-12-18.

Allele frequency attached by ClinVar (database versions not stated): TOPMed below 0.00001.

Submissions (2):

GeneDx
Classification: Uncertain significance. Last evaluated: 2024-12-18. Review status: criteria provided, single submitter. Criteria: GeneDx Variant Classification Process June 2021. Collection method: clinical testing. Allele origin: germline. Affected: yes.
Comment: Not observed at significant frequency in large population cohorts (gnomAD); Missense variant in a gene in which most reported pathogenic variants are truncating/loss of function; Has not been previously published as pathogenic or benign to our knowledge; Located in the A-band region of TTN in which the majority of loss of function variants have been associated with autosomal dominant titinopathies (PMID: 22335739); This variant is associated with the following publications: (PMID: 23975875)

Mayo Clinic Laboratories, Mayo Clinic
Classification: Uncertain significance. Last evaluated: 2021-09-09. Review status: criteria provided, single submitter. Criteria: ACMG Guidelines, 2015. Collection method: clinical testing. Allele origin: germline.